The following is an entry in ClinVar:

NM_001353345.2(SETD1B):c.5829dup (p.Lys1944Ter)

Gene: SETD1B (SET domain containing 1B, histone lysine methyltransferase; plus strand). Cytogenetic location: 12q24.31.
Variant type: Duplication.
Coding change: c.5829dup on transcript NM_001353345.2 (MANE Select); coding-DNA position 5829, one base duplicated (T; older notation c.5829dupT).
Protein change: p.Lys1944Ter; replaces lysine 1944 with a stop codon.
Molecular consequence: nonsense.
Genome position (GRCh38, 1-based): chr12:121,830,167, T duplicated. VCF-style (leftmost placement, unchanged base first): chr12-121830166-A-AT. GRCh37 (hg19) VCF-style: chr12-122268072-A-AT.
Other names: short protein forms K1944*.
Identifiers: ClinVar variation 5037058 (VCV005037058.1).

ClinVar aggregate classification (germline): Uncertain significance (1 of 4 stars; one submission).

Submission:

GeneDx
Classification: Uncertain significance. Last evaluated: 2026-04-14. Review status: criteria provided, single submitter. Criteria: GeneDx Variant Classification Process June 2021. Collection method: clinical testing. Allele origin: germline.
Comment: Not observed at significant frequency in large population cohorts (gnomAD); Nonsense variant predicted to result in protein truncation as the last 23 amino acids are lost; Has not been previously published as pathogenic or benign to our knowledge